The following is an entry in ClinVar:

NM_133433.4(NIPBL):c.211C>A (p.Gln71Lys)

Gene: NIPBL (NIPBL cohesin loading factor; plus strand). Cytogenetic location: 5p13.2.
Variant type: single nucleotide variant.
Coding change: c.211C>A on transcript NM_133433.4 (MANE Select); coding-DNA position 211, C replaced by A.
Protein change: p.Gln71Lys; replaces glutamine 71 with lysine.
Molecular consequence: missense variant.
Genome position (GRCh38, 1-based): chr5:36,955,618, C>A. VCF-style: chr5-36955618-C-A. GRCh37 (hg19) VCF-style: chr5-36955720-C-A.
Other names: c.211C>A, p.Gln71Lys (NM_015384.5); short protein forms Q71K.
Identifiers: ClinVar variation 3369074 (VCV003369074.1).
Genomic context (GRCh38, chr5:36,955,618, plus strand): 5'-AACTGCCTTTTGGCTTGTAGGGATGACAATTTGGTTTCACAGCTTGTCCATAGCCTCAAC[C>A]AGGTATCAACAGATCACATGTAAGTATGATCAATTTTATATCTACTATAAGTGAAAAGTT-3'
Protein context (NP_597677.2, residues 61-81): LVSQLVHSLN[Gln71Lys]VSTDHIELKD

ClinVar aggregate classification (germline): Uncertain significance (1 of 4 stars; one submission).

Submission:

GeneDx
Classification: Uncertain significance. Last evaluated: 2024-02-12. Review status: criteria provided, single submitter. Criteria: GeneDx Variant Classification Process June 2021. Collection method: clinical testing. Allele origin: germline. Affected: yes.
Comment: Not observed at significant frequency in large population cohorts (gnomAD); In silico analysis supports that this missense variant does not alter protein structure/function; Has not been previously published as pathogenic or benign to our knowledge